The following is an entry in ClinVar:

ClinVar aggregate classification (germline): Uncertain significance. Review status: criteria provided, multiple submitters, no conflicts (2 of 4 stars). 2 submissions from 2 submitters: Uncertain significance (2). Last evaluated 2023-12-26.

Conditions:
Early-infantile DEE. Also called: Ohtahara syndrome; Early infantile epileptic encephalopathy with suppression bursts; Early infantile epileptic encephalopathy. Identifiers: Orphanet 1934, MedGen C0393706, MONDO:0800491.

Allele frequency attached by ClinVar (database versions not stated): ExAC 0.00001.
gnomAD v4.1: 1 of 1,614,238 alleles (0.000062%); highest among the groups gnomAD compares: Middle Eastern, 0.016%; no homozygotes.

Submissions (2):

Women's Health and Genetics/Laboratory Corporation of America, LabCorp
Classification: Uncertain significance. Last evaluated: 2023-12-26. Review status: criteria provided, single submitter. Criteria: LabCorp Variant Classification Summary - May 2015. Collection method: clinical testing. Allele origin: germline.
Comment: Variant summary: KCNH5 c.2471A>T (p.Lys824Ile) results in a non-conservative amino acid change in the encoded protein sequence. Four of five in-silico tools predict a damaging effect of the variant on protein function. The variant allele was found at a frequency of 4e-06 in 251492 control chromosomes. The available data on variant occurrences in the general population are insufficient to allow any conclusion about variant significance. To our knowledge, no occurrence of c.2471A>T in individuals affected with Developmental And Epileptic Encephalopathy-112 and no experimental evidence demonstrating its impact on protein function have been reported. No submitters have cited clinical-significance assessments for this variant to ClinVar after 2014. Based on the evidence outlined above, the variant was classified as uncertain significance.

Labcorp Genetics (formerly Invitae), Labcorp
Classification: Uncertain significance for Early-infantile DEE. Last evaluated: 2023-06-18. Review status: criteria provided, single submitter. Criteria: Invitae Variant Classification Sherloc (09022015). Collection method: clinical testing. Allele origin: germline.
Comment: In summary, the available evidence is currently insufficient to determine the role of this variant in disease. Therefore, it has been classified as a Variant of Uncertain Significance. Advanced modeling of protein sequence and biophysical properties (such as structural, functional, and spatial information, amino acid conservation, physicochemical variation, residue mobility, and thermodynamic stability) performed at Invitae indicates that this missense variant is not expected to disrupt KCNH5 protein function. This variant has not been reported in the literature in individuals affected with KCNH5-related conditions. This variant is present in population databases (rs766570312, gnomAD 0.0009%). This sequence change replaces lysine, which is basic and polar, with isoleucine, which is neutral and non-polar, at codon 824 of the KCNH5 protein (p.Lys824Ile).

NM_139318.5(KCNH5):c.2471A>T (p.Lys824Ile)

Gene: KCNH5 (potassium voltage-gated channel subfamily H member 5; minus strand). Cytogenetic location: 14q23.2.
Variant type: single nucleotide variant.
Coding change: c.2471A>T on transcript NM_139318.5 (MANE Select); coding-DNA position 2471, A replaced by T.
Protein change: p.Lys824Ile; replaces lysine 824 with isoleucine.
Molecular consequence: missense variant. On other transcripts: 3 prime UTR variant (1).
Genome position (GRCh38, 1-based): chr14:62,708,004, T>A on the plus strand (A>T on the coding strand, the complement: KCNH5 is on the minus strand). VCF-style: chr14-62708004-T-A. GRCh37 (hg19) VCF-style: chr14-63174722-T-A.
Other names: c.*438A>T (NM_172375.3); short protein forms K824I.
Identifiers: ClinVar variation 2691418 (VCV002691418.4), dbSNP rs766570312, ClinGen allele CA7217242.